The following is an entry in ClinVar:

ClinVar aggregate classification (germline): Uncertain significance (1 of 4 stars; one submission).

Submission:

Labcorp Genetics (formerly Invitae), Labcorp
Classification: Uncertain significance. Last evaluated: 2025-04-16. Review status: criteria provided, single submitter. Criteria: Invitae Variant Classification Sherloc (09022015). Collection method: clinical testing. Allele origin: germline.
Comment: This sequence change replaces glutamine, which is neutral and polar, with lysine, which is basic and polar, at codon 236 of the GNAS protein (p.Gln236Lys). This variant is not present in population databases (gnomAD no frequency). This variant has not been reported in the literature in individuals affected with GNAS-related conditions. ClinVar contains an entry for this variant (Variation ID: 2016747). Invitae Evidence Modeling of protein sequence and biophysical properties (such as structural, functional, and spatial information, amino acid conservation, physicochemical variation, residue mobility, and thermodynamic stability) indicates that this missense variant is expected to disrupt GNAS protein function with a positive predictive value of 80%. In summary, the available evidence is currently insufficient to determine the role of this variant in disease. Therefore, it has been classified as a Variant of Uncertain Significance.

NM_000516.7(GNAS):c.706C>A (p.Gln236Lys)

Gene: GNAS (GNAS complex locus; plus strand). Cytogenetic location: 20q13.32.
Variant type: single nucleotide variant.
Coding change: c.706C>A on transcript NM_000516.7 (MANE Select); coding-DNA position 706, C replaced by A.
Protein change: p.Gln236Lys; replaces glutamine 236 with lysine.
Molecular consequence: missense variant. On other transcripts: 3 prime UTR variant (2).
Genome position (GRCh38, 1-based): chr20:58,909,567, C>A. VCF-style: chr20-58909567-C-A. GRCh37 (hg19) VCF-style: chr20-57484622-C-A.
Other names: c.709C>A, p.Gln237Lys (NM_001077488.5); c.661C>A, p.Gln221Lys (NM_001077489.4); c.*567C>A (NM_001077490.3); c.529C>A, p.Gln177Lys (NM_001309840.2, NM_001309861.2); c.610C>A, p.Gln204Lys (NM_001410912.1); c.2590C>A, p.Gln864Lys (NM_001410913.1); c.*612C>A (NM_016592.5); c.2635C>A, p.Gln879Lys (NM_080425.4); and 1 more; short protein forms Q236K, Q864K, Q204K, Q221K, Q237K, Q879K, Q177K, Q222K.
Identifiers: ClinVar variation 2016747 (VCV002016747.4), dbSNP rs2146279616, ClinGen allele CA409452359.